The following is an entry in ClinVar:

NM_022089.4(ATP13A2):c.1896G>A (p.Ser632=)

Gene: ATP13A2 (ATPase cation transporting 13A2; minus strand). Cytogenetic location: 1p36.13.
Variant type: single nucleotide variant.
Coding change: c.1896G>A on transcript NM_022089.4 (MANE Select); coding-DNA position 1896, G replaced by A.
Protein change: p.Ser632=; no amino-acid change (serine 632 retained).
Molecular consequence: synonymous variant.
Genome position (GRCh38, 1-based): chr1:16,992,352, C>T on the plus strand (G>A on the coding strand, the complement: ATP13A2 is on the minus strand). VCF-style: chr1-16992352-C-T. GRCh37 (hg19) VCF-style: chr1-17318847-C-T.
Other names: c.1881G>A, p.Ser627= (NM_001141973.3, NM_001141974.3).
Identifiers: ClinVar variation 652812 (VCV000652812.4), dbSNP rs575694238, ClinGen allele CA637040.

ClinVar aggregate classification (germline): Uncertain significance. Review status: criteria provided, multiple submitters, no conflicts (2 of 4 stars). 2 submissions from 2 submitters: Uncertain significance (2). Last evaluated 2022-04-07.

Conditions:
Kufor-Rakeb syndrome (KRS). Also called: PARKINSON DISEASE 9, AUTOSOMAL RECESSIVE, JUVENILE-ONSET. Identifiers: Orphanet 306674, Orphanet 314632, MedGen C1847640, MONDO:0011706, OMIM 606693.
Autosomal recessive spastic paraplegia type 78. Identifiers: Orphanet 513436, MedGen C5567893, MONDO:0014975, OMIM 617225.

Allele frequency attached by ClinVar (database versions not stated): gnomAD 0.00002 and 0.00003; TOPMed 0.00003; gnomAD exomes 0.00004; ExAC 0.00006; 1000 Genomes Project 30x 0.00016; 1000 Genomes Project 0.00020.
gnomAD v4.1: 80 of 1,613,256 alleles (0.005%); highest among the groups gnomAD compares: Middle Eastern, 0.066%; no homozygotes.

Submissions (2):

Labcorp Genetics (formerly Invitae), Labcorp
Classification: Uncertain significance for Kufor-Rakeb syndrome; Autosomal recessive spastic paraplegia type 78. Last evaluated: 2022-04-07. Review status: criteria provided, single submitter. Criteria: Invitae Variant Classification Sherloc (09022015). Collection method: clinical testing. Allele origin: germline.
Comment: This sequence change affects codon 632 of the ATP13A2 mRNA. It is a 'silent' change, meaning that it does not change the encoded amino acid sequence of the ATP13A2 protein. This variant is present in population databases (rs575694238, gnomAD 0.02%). This variant has not been reported in the literature in individuals affected with ATP13A2-related conditions. ClinVar contains an entry for this variant (Variation ID: 652812). Algorithms developed to predict the effect of sequence changes on RNA splicing suggest that this variant may disrupt the consensus splice site. In summary, the available evidence is currently insufficient to determine the role of this variant in disease. Therefore, it has been classified as a Variant of Uncertain Significance.

Fulgent Genetics
Classification: Uncertain significance for Kufor-Rakeb syndrome; Autosomal recessive spastic paraplegia type 78. Last evaluated: 2021-10-04. Review status: criteria provided, single submitter. Criteria: ACMG Guidelines, 2015. Collection method: clinical testing. Allele origin: unknown.